The following is an entry in ClinVar:

ClinVar aggregate classification (germline): Uncertain significance. Review status: criteria provided, multiple submitters, no conflicts (2 of 4 stars). 2 submissions from 2 submitters: Uncertain significance (2). Last evaluated 2022-09-02.

Conditions:
Aicardi-Goutieres syndrome 7 (AGS7). Identifiers: Orphanet 51, MedGen C3888244, MONDO:0014367, OMIM 615846.
Singleton-Merten syndrome 1 (SGMRT1). Also called: Widened medullary cavities of bone, aortic calcification, abnormal dentition, and muscular weakness; Syndrome of widened medullary cavities of the metacarpals and phalanges, aortic calcification and abnormal dentition. Identifiers: Orphanet 85191, MedGen C4225427, MONDO:0024535, OMIM 182250.

Allele frequency attached by ClinVar (database versions not stated): gnomAD exomes below 0.00001.
gnomAD v4.1: 3 of 1,608,080 alleles (0.00019%); highest among the groups gnomAD compares: Non-Finnish European, 0.00017%; no homozygotes.

Submissions (2):

Victorian Clinical Genetics Services, Murdoch Childrens Research Institute
Classification: Uncertain significance for Aicardi-Goutieres syndrome 7. Last evaluated: 2022-09-02. Review status: criteria provided, single submitter. Criteria: ACMG Guidelines, 2015. Collection method: clinical testing. Allele origin: germline. Inheritance: Autosomal dominant inheritance. Affected: yes.
Comment: Based on the classification scheme VCGS_Germline_v1.3.4, this variant is classified as VUS-3B. Following criteria are met: 0103 - Gain of function is a known mechanism of disease in this gene and is associated with Aicardi-Goutieres syndrome 7 (MIM#615846) (PMID 24686847) and Singleton-Merten syndrome 1 (MIM#182250) (PMID: 25620204). Loss of function is a known mechanism of disease in this gene and is associated with immunodeficiency 95 (MIM#619773, AR) (PMID: 29018476, 34185153). (I) 0108 - This gene is associated with both recessive and dominant disease (OMIM). (I) 0200 - Variant is predicted to result in a missense amino acid change from glutamic acid to glycine. (I) 0251 - This variant is heterozygous. (I) 0301 - Variant is absent from gnomAD (both v2 and v3). (SP) 0502 - Missense variant with conflicting in silico predictions and uninformative conservation. (I) 0600 - Variant is located in the annotated C-terminal domain RIG-1 (DECIPHER). (I) 0710 - Another missense variant comparable to the one identified in this case has inconclusive previous evidence for pathogenicity. The variant c.2770G>A; p.(Glu924Lys) has been reported as a variant of uncertain significance in ClinVar with limited clinical information provided. (I) 0809 - Previous evidence of pathogenicity for this variant is inconclusive. This variant has been reported in ClinVar once as a variant of uncertain significance with limited clinical information provided. (I) 0905 - No published segregation evidence has been identified for this variant. (I) 1007 - No published functional evidence has been identified for this variant. (I) 1208 - Inheritance information for this variant is not currently available in this individual. (I) Legend: (SP) - Supporting pathogenic, (I) - Information, (SB) - Supporting benign

Labcorp Genetics (formerly Invitae), Labcorp
Classification: Uncertain significance for Aicardi-Goutieres syndrome 7; Singleton-Merten syndrome 1. Last evaluated: 2020-10-03. Review status: criteria provided, single submitter. Criteria: Invitae Variant Classification Sherloc (09022015). Collection method: clinical testing. Allele origin: germline.
Comment: In summary, the available evidence is currently insufficient to determine the role of this variant in disease. Therefore, it has been classified as a Variant of Uncertain Significance. Algorithms developed to predict the effect of missense changes on protein structure and function are either unavailable or do not agree on the potential impact of this missense change (SIFT: "Tolerated"; PolyPhen-2: "Probably Damaging"; Align-GVGD: "Class C0"). This variant has not been reported in the literature in individuals with IFIH1-related conditions. This variant is not present in population databases (ExAC no frequency). This sequence change replaces glutamic acid with glycine at codon 924 of the IFIH1 protein (p.Glu924Gly). The glutamic acid residue is moderately conserved and there is a moderate physicochemical difference between glutamic acid and glycine.

Literature cited by the submitters: PubMed 24686847 (cited by Victorian Clinical Genetics Services, Murdoch Childrens Research Institute); PubMed 25620204 (cited by Victorian Clinical Genetics Services, Murdoch Childrens Research Institute); PubMed 29018476 (cited by Victorian Clinical Genetics Services, Murdoch Childrens Research Institute); PubMed 34185153 (cited by Victorian Clinical Genetics Services, Murdoch Childrens Research Institute).

NM_022168.4(IFIH1):c.2771A>G (p.Glu924Gly)

Gene: IFIH1 (interferon induced with helicase C domain 1; minus strand). Cytogenetic location: 2q24.2.
Variant type: single nucleotide variant.
Coding change: c.2771A>G on transcript NM_022168.4 (MANE Select); coding-DNA position 2771, A replaced by G.
Protein change: p.Glu924Gly; replaces glutamic acid 924 with glycine.
Molecular consequence: missense variant.
Genome position (GRCh38, 1-based): chr2:162,268,123, T>C on the plus strand (A>G on the coding strand, the complement: IFIH1 is on the minus strand). VCF-style: chr2-162268123-T-C. GRCh37 (hg19) VCF-style: chr2-163124633-T-C.
Other names: short protein forms E924G.
Identifiers: ClinVar variation 1039783 (VCV001039783.9), dbSNP rs1690960964, ClinGen allele CA348990728.